The following is an entry in ClinVar:

ClinVar aggregate classification (germline): Benign/Likely benign. Review status: criteria provided, multiple submitters, no conflicts (2 of 4 stars). 5 submissions from 5 submitters: Benign (2); Likely benign (3). Last evaluated 2026-01-30.

Conditions:
Palmoplantar keratoderma, epidermolytic. Also called: Localized epidermolytic hyperkeratosis. Identifiers: MedGen C1721006, MONDO:0968949, HP:0007559.

Allele frequency attached by ClinVar (database versions not stated): 1000 Genomes Project 30x 0.00078; 1000 Genomes Project 0.00080; TOPMed 0.00331; gnomAD 0.00360; ESP Exome Variant Server 0.00392; gnomAD exomes 0.00422 and 0.00576; ExAC 0.00443.
gnomAD v4.1: 8,880 of 1,614,210 alleles (0.55%); highest among the groups gnomAD compares: Non-Finnish European, 0.66%; 23 homozygotes.

Submissions (5):

Labcorp Genetics (formerly Invitae), Labcorp
Classification: Benign. Last evaluated: 2026-01-30. Review status: criteria provided, single submitter. Criteria: Invitae Variant Classification Sherloc (09022015). Collection method: clinical testing. Allele origin: germline.

Blueprint Genetics
Classification: Likely benign. Last evaluated: 2024-11-26. Review status: criteria provided, single submitter. Criteria: ACMG Guidelines, 2015. Collection method: clinical testing. Allele origin: germline.

CeGaT Center for Human Genetics Tuebingen
Classification: Benign. Last evaluated: 2023-08-01. Review status: criteria provided, single submitter. Criteria: CeGaT Center For Human Genetics Tuebingen Variant Classification Criteria Version 2. Collection method: clinical testing. Allele origin: germline. Affected: yes. Observed: 1 variant allele.
Comment: KRT9: BP4, BS1, BS2

Illumina Laboratory Services, Illumina
Classification: Likely benign for Epidermolytic palmoplantar keratoderma, 1. Last evaluated: 2018-01-13. Review status: criteria provided, single submitter. Criteria: ICSL Variant Classification Criteria 13 December 2019. Collection method: clinical testing. Allele origin: germline.
Comment: This variant was observed in the ICSL laboratory as part of a predisposition screen in an ostensibly healthy population. It had not been previously curated by ICSL or reported in the Human Gene Mutation Database (HGMD: prior to June 1st, 2018), and was therefore a candidate for classification through an automated scoring system. Utilizing variant allele frequency, disease prevalence and penetrance estimates, and inheritance mode, an automated score was calculated to assess if this variant is too frequent to cause the disease. Based on the score and internal cut-off values, a variant classified as likely benign is not then subjected to further curation. The score for this variant resulted in a classification of likely benign for this disease.

Breakthrough Genomics
Classification: Likely benign. Review status: criteria provided, single submitter. Criteria: ACMG Guidelines, 2015. Collection method: not provided. Allele origin: germline. Inheritance: Autosomal dominant inheritance. Affected: yes.

NM_000226.4(KRT9):c.1170+8G>T

Gene: KRT9 (keratin 9; minus strand). Cytogenetic location: 17q21.2.
Variant type: single nucleotide variant.
Coding change: c.1170+8G>T on transcript NM_000226.4 (MANE Select); 8 bases into the intron after coding-DNA position 1170, G replaced by T.
Molecular consequence: intron variant.
Genome position (GRCh38, 1-based): chr17:41,568,500, C>A on the plus strand (G>T on the coding strand, the complement: KRT9 is on the minus strand). VCF-style: chr17-41568500-C-A. GRCh37 (hg19) VCF-style: chr17-39724752-C-A.
Identifiers: ClinVar variation 323126 (VCV000323126.41), dbSNP rs150892974, ClinGen allele CA8562017.